The following is an entry in ClinVar:

ClinVar aggregate classification (germline): Uncertain significance (1 of 4 stars; one submission).

Conditions:
Hereditary spastic paraplegia 10 (SPG10). Also called: SPASTIC PARAPLEGIA 10, AUTOSOMAL DOMINANT; SPASTIC PARAPLEGIA 10 WITH OR WITHOUT PERIPHERAL NEUROPATHY; SPASTIC PARAPLEGIA 10 WITH PERIPHERAL NEUROPATHY. Identifiers: Orphanet 100991, MedGen C1858712, MONDO:0011408, OMIM 604187.

gnomAD v4.1: 3 of 1,613,634 alleles (0.00019%); highest among the groups gnomAD compares: Middle Eastern, 0.016%; no homozygotes.

Submission:

Kariminejad - Najmabadi Pathology & Genetics Center
Classification: Uncertain significance for Hereditary spastic paraplegia 10. Last evaluated: 2023-10-04. Review status: criteria provided, single submitter. Criteria: ACMG Guidelines, 2015. Collection method: clinical testing. Allele origin: germline. Inheritance: Autosomal dominant inheritance. Affected: yes.
Comment: PM2,PP3

NM_004984.4(KIF5A):c.1362+4A>G

Gene: KIF5A (kinesin family member 5A; plus strand). Cytogenetic location: 12q13.3.
Variant type: single nucleotide variant.
Coding change: c.1362+4A>G on transcript NM_004984.4 (MANE Select); 4 bases into the intron after coding-DNA position 1362, A replaced by G.
Molecular consequence: intron variant.
Genome position (GRCh38, 1-based): chr12:57,571,393, A>G. VCF-style: chr12-57571393-A-G. GRCh37 (hg19) VCF-style: chr12-57965176-A-G.
Other names: c.1095+4A>G (NM_001354705.2).
Identifiers: ClinVar variation 3896892 (VCV003896892.1).